The following is an entry in ClinVar:

ClinVar aggregate classification (germline): Uncertain significance (1 of 4 stars; one submission).

Conditions:
Peroxisome biogenesis disorder 11A (Zellweger). Also called: Peroxisome biogenesis disorder 11A. Identifiers: Orphanet 912, MedGen C3554000, MONDO:0013949, OMIM 614883.

gnomAD v4.1: 5 of 1,600,958 alleles (0.00031%); highest among the groups gnomAD compares: Non-Finnish European, 0.00043%; no homozygotes.

Submission:

Labcorp Genetics (formerly Invitae), Labcorp
Classification: Uncertain significance for Peroxisome biogenesis disorder 11A (Zellweger). Last evaluated: 2020-11-18. Review status: criteria provided, single submitter. Criteria: Invitae Variant Classification Sherloc (09022015). Collection method: clinical testing. Allele origin: germline.
Comment: In summary, the available evidence is currently insufficient to determine the role of this variant in disease. Therefore, it has been classified as a Variant of Uncertain Significance. Nucleotide substitutions within the consensus splice site are a relatively common cause of aberrant splicing (PMID: 17576681, 9536098). Algorithms developed to predict the effect of sequence changes on RNA splicing suggest that this variant may disrupt the consensus splice site, but this prediction has not been confirmed by published transcriptional studies. Algorithms developed to predict the effect of missense changes on protein structure and function (SIFT, PolyPhen-2, Align-GVGD) all suggest that this variant is likely to be tolerated, but these predictions have not been confirmed by published functional studies and their clinical significance is uncertain. This variant has not been reported in the literature in individuals with PEX13-related conditions. This variant is not present in population databases (ExAC no frequency). This sequence change replaces aspartic acid with histidine at codon 263 of the PEX13 protein (p.Asp263His). The aspartic acid residue is weakly conserved and there is a moderate physicochemical difference between aspartic acid and histidine. This variant also falls at the last nucleotide of exon 2, which is part of the consensus splice site for this exon.

Literature cited by the submitters: PubMed 17576681; PubMed 9536098.

NM_002618.4(PEX13):c.787G>C (p.Asp263His)

Gene: PEX13 (peroxisomal biogenesis factor 13; plus strand). Cytogenetic location: 2p15.
Variant type: single nucleotide variant.
Coding change: c.787G>C on transcript NM_002618.4 (MANE Select); coding-DNA position 787, G replaced by C.
Protein change: p.Asp263His; replaces aspartic acid 263 with histidine.
Molecular consequence: missense variant.
Genome position (GRCh38, 1-based): chr2:61,032,113, G>C. VCF-style: chr2-61032113-G-C. GRCh37 (hg19) VCF-style: chr2-61259248-G-C.
Other names: short protein forms D263H.
Identifiers: ClinVar variation 1349024 (VCV001349024.8), dbSNP rs766753038, ClinGen allele CA48342705.